The following is an entry in ClinVar:

ClinVar aggregate classification (germline): Uncertain significance (1 of 4 stars; one submission).

Conditions:
Neuropathy, hereditary sensory, type 2C. Also called: Hereditary sensory and autonomic neuropathy type IIC; KIF1A-Related HSAN2 (HSAN2C). Identifiers: Orphanet 970, MedGen C3280168, MONDO:0013634, OMIM 614213.
Hereditary spastic paraplegia 30. Identifiers: Orphanet 101010, MedGen C5235139, MONDO:0012476.
Intellectual disability, autosomal dominant 9 (NESCAVS). Also called: NESCAV SYNDROME; KIF1A-Related Neurodevelopmental Disorder. Identifiers: Orphanet 662367, MedGen C5393830, MONDO:0013656, OMIM 614255.

Submission:

Labcorp Genetics (formerly Invitae), Labcorp
Classification: Uncertain significance for Hereditary spastic paraplegia 30; Neuropathy, hereditary sensory, type 2C; Intellectual disability, autosomal dominant 9. Last evaluated: 2023-10-07. Review status: criteria provided, single submitter. Criteria: Invitae Variant Classification Sherloc (09022015). Collection method: clinical testing. Allele origin: germline.
Comment: This sequence change replaces threonine, which is neutral and polar, with alanine, which is neutral and non-polar, at codon 134 of the KIF1A protein (p.Thr134Ala). This variant is not present in population databases (gnomAD no frequency). This variant has not been reported in the literature in individuals affected with KIF1A-related conditions. Advanced modeling of protein sequence and biophysical properties (such as structural, functional, and spatial information, amino acid conservation, physicochemical variation, residue mobility, and thermodynamic stability) performed at Invitae indicates that this missense variant is expected to disrupt KIF1A protein function. In summary, the available evidence is currently insufficient to determine the role of this variant in disease. Therefore, it has been classified as a Variant of Uncertain Significance.

NM_001244008.2(KIF1A):c.400A>G (p.Thr134Ala)

Gene: KIF1A (kinesin family member 1A; minus strand). Cytogenetic location: 2q37.3.
Variant type: single nucleotide variant.
Coding change: c.400A>G on transcript NM_001244008.2 (MANE Select); coding-DNA position 400, A replaced by G.
Protein change: p.Thr134Ala; replaces threonine 134 with alanine.
Molecular consequence: missense variant.
Genome position (GRCh38, 1-based): chr2:240,787,280, T>C on the plus strand (A>G on the coding strand, the complement: KIF1A is on the minus strand). VCF-style: chr2-240787280-T-C. GRCh37 (hg19) VCF-style: chr2-241726697-T-C.
Other names: c.400A>G, p.Thr134Ala (NM_001320705.2, NM_001330289.2, NM_001330290.2 and 21 more transcripts); short protein forms T134A.
Identifiers: ClinVar variation 2934542 (VCV002934542.3), dbSNP rs2538414054, ClinGen allele CA351309290.